The following is an entry in ClinVar:

NM_002241.5(KCNJ10):c.464C>T (p.Thr155Ile)

Gene: KCNJ10 (potassium inwardly rectifying channel subfamily J member 10; minus strand). Cytogenetic location: 1q23.2.
Variant type: single nucleotide variant.
Coding change: c.464C>T on transcript NM_002241.5 (MANE Select); coding-DNA position 464, C replaced by T.
Protein change: p.Thr155Ile; replaces threonine 155 with isoleucine.
Molecular consequence: missense variant.
Genome position (GRCh38, 1-based): chr1:160,042,069, G>A on the plus strand (C>T on the coding strand, the complement: KCNJ10 is on the minus strand). VCF-style: chr1-160042069-G-A. GRCh37 (hg19) VCF-style: chr1-160011859-G-A.
Other names: short protein forms T155I.
Identifiers: ClinVar variation 4799214 (VCV004799214.1).

ClinVar aggregate classification (germline): Uncertain significance (1 of 4 stars; one submission).

Conditions:
EAST syndrome (SESAMES). Also called: SEIZURES, SENSORINEURAL DEAFNESS, ATAXIA, IMPAIRED INTELLECTUAL DEVELOPMENT, AND ELECTROLYTE IMBALANCE. Identifiers: Orphanet 199343, MedGen C2748572, MONDO:0013005, OMIM 612780.

Submission:

Labcorp Genetics (formerly Invitae), Labcorp
Classification: Uncertain significance for EAST syndrome. Last evaluated: 2025-07-31. Review status: criteria provided, single submitter. Criteria: Invitae Variant Classification Sherloc (09022015). Collection method: clinical testing. Allele origin: germline.
Comment: This sequence change replaces threonine, which is neutral and polar, with isoleucine, which is neutral and non-polar, at codon 155 of the KCNJ10 protein (p.Thr155Ile). This variant is present in population databases (no rsID available, gnomAD 0.006%). This variant has not been reported in the literature in individuals affected with KCNJ10-related conditions. Invitae Evidence Modeling of protein sequence and biophysical properties (such as structural, functional, and spatial information, amino acid conservation, physicochemical variation, residue mobility, and thermodynamic stability) indicates that this missense variant is not expected to disrupt KCNJ10 protein function with a negative predictive value of 95%. In summary, the available evidence is currently insufficient to determine the role of this variant in disease. Therefore, it has been classified as a Variant of Uncertain Significance.